The following is an entry in ClinVar:

ClinVar aggregate classification (germline): Uncertain significance (1 of 4 stars; one submission).

gnomAD v4.1: 9 of 1,606,328 alleles (0.00056%); highest among the groups gnomAD compares: Non-Finnish European, 0.00076%; no homozygotes.

Submission:

Labcorp Genetics (formerly Invitae), Labcorp
Classification: Uncertain significance. Last evaluated: 2025-04-06. Review status: criteria provided, single submitter. Criteria: Invitae Variant Classification Sherloc (09022015). Collection method: clinical testing. Allele origin: germline.
Comment: This sequence change affects an acceptor splice site in intron 4 of the SLC25A21 gene. It is expected to disrupt RNA splicing. Variants that disrupt the donor or acceptor splice site typically lead to a loss of protein function (PMID: 16199547), however the current clinical and genetic evidence is not sufficient to establish whether loss-of-function variants in SLC25A21 cause disease. This variant is present in population databases (rs139127590, gnomAD 0.003%). This variant has not been reported in the literature in individuals affected with SLC25A21-related conditions. ClinVar contains an entry for this variant (Variation ID: 3700299). Algorithms developed to predict the effect of sequence changes on RNA splicing suggest that this variant may disrupt the consensus splice site. In summary, the available evidence is currently insufficient to determine the role of this variant in disease. Therefore, it has been classified as a Variant of Uncertain Significance.

Literature cited by the submitters: PubMed 16199547.

NM_030631.4(SLC25A21):c.271-2A>G

Gene: SLC25A21 (solute carrier family 25 member 21; minus strand). Cytogenetic location: 14q13.3.
Variant type: single nucleotide variant.
Coding change: c.271-2A>G on transcript NM_030631.4 (MANE Select); the canonical splice acceptor site of the intron before coding-DNA position 271, A replaced by G.
Molecular consequence: splice acceptor variant.
Genome position (GRCh38, 1-based): chr14:36,729,568, T>C on the plus strand (A>G on the coding strand, the complement: SLC25A21 is on the minus strand). VCF-style: chr14-36729568-T-C. GRCh37 (hg19) VCF-style: chr14-37198773-T-C.
Other names: c.271-2A>G (NM_001171170.2).
Identifiers: ClinVar variation 3700299 (VCV003700299.2).